The following is an entry in ClinVar:

ClinVar aggregate classification (germline): Likely pathogenic (1 of 4 stars; one submission).

Submission:

Labcorp Genetics (formerly Invitae), Labcorp
Classification: Likely pathogenic. Last evaluated: 2021-02-07. Review status: criteria provided, single submitter. Criteria: Invitae Variant Classification Sherloc (09022015). Collection method: clinical testing. Allele origin: germline.
Comment: In summary, the currently available evidence indicates that the variant is pathogenic, but additional data are needed to prove that conclusively. Therefore, this variant has been classified as Likely Pathogenic. Algorithms developed to predict the effect of sequence changes on RNA splicing suggest that this variant may disrupt the consensus splice site, but this prediction has not been confirmed by published transcriptional studies. This variant has not been reported in the literature in individuals with HOGA1-related conditions. This variant is not present in population databases (ExAC no frequency). This sequence change affects a donor splice site in intron 2 of the HOGA1 gene. It is expected to disrupt RNA splicing. Variants that disrupt the donor or acceptor splice site typically lead to a loss of protein function (PMID: 16199547), and loss-of-function variants in HOGA1 are known to be pathogenic (PMID: 22391140, 22781098).

Literature cited by the submitters: PubMed 16199547; PubMed 22391140; PubMed 22781098.

NM_138413.4(HOGA1):c.340+2T>C

Gene: HOGA1 (4-hydroxy-2-oxoglutarate aldolase 1; plus strand). Cytogenetic location: 10q24.2.
Variant type: single nucleotide variant.
Coding change: c.340+2T>C on transcript NM_138413.4 (MANE Select); the canonical splice donor site of the intron after coding-DNA position 340, T replaced by C.
Molecular consequence: splice donor variant. On other transcripts: intron variant (1).
Genome position (GRCh38, 1-based): chr10:97,598,905, T>C. VCF-style: chr10-97598905-T-C. GRCh37 (hg19) VCF-style: chr10-99358662-T-C.
Other names: c.212-2952T>C (NM_001134670.2).
Identifiers: ClinVar variation 1515570 (VCV001515570.8), dbSNP rs2135721485, ClinGen allele CA377977144.
Genomic context (GRCh38, chr10:97,598,905, plus strand): 5'-CCGTGTGCGCCAGGCCATGCCCAAGAACAGGCTCCTGCTAGCTGGCTCCGGATGCGAGTG[T>C]GAGCCAGAATGCCCTGGGCCCTGGGGGTGGGTGGATGTGCAGGATCCAGGCTCCTAGGCC-3'